The following is an entry in ClinVar:

NM_020708.5(SLC12A5):c.3110+4C>T

Gene: SLC12A5 (solute carrier family 12 member 5; plus strand). Cytogenetic location: 20q13.12.
Variant type: single nucleotide variant.
Coding change: c.3110+4C>T on transcript NM_020708.5 (MANE Select); 4 bases into the intron after coding-DNA position 3110, C replaced by T.
Molecular consequence: intron variant.
Genome position (GRCh38, 1-based): chr20:46,056,568, C>T. VCF-style: chr20-46056568-C-T. GRCh37 (hg19) VCF-style: chr20-44685207-C-T.
Other names: c.3179+4C>T (NM_001134771.2).
Identifiers: ClinVar variation 475654 (VCV000475654.32), dbSNP rs781152138, ClinGen allele CA9887783.

ClinVar aggregate classification (germline): Uncertain significance. Review status: criteria provided, multiple submitters, no conflicts (2 of 4 stars). 2 submissions from 2 submitters: Uncertain significance (2). Last evaluated 2022-08-01.

Conditions:
Developmental and epileptic encephalopathy, 34 (DEE34). Also called: Early infantile epileptic encephalopathy 34; SLC12A5-Related Epilepsy of Infancy with Migrating Focal Seizures. Identifiers: Orphanet 293181, MedGen C4225257, MONDO:0014718, OMIM 616645.

Allele frequency attached by ClinVar (database versions not stated): gnomAD 0.00003 and 0.00001; TOPMed 0.00003; ExAC 0.00001; gnomAD exomes 0.00001.
gnomAD v4.1: 22 of 1,612,938 alleles (0.0014%); highest among the groups gnomAD compares: East Asian, 0.0067%; no homozygotes.

Submissions (2):

CeGaT Center for Human Genetics Tuebingen
Classification: Uncertain significance. Last evaluated: 2022-08-01. Review status: criteria provided, single submitter. Criteria: CeGaT Center For Human Genetics Tuebingen Variant Classification Criteria Version 2. Collection method: clinical testing. Allele origin: germline. Affected: yes. Observed: 1 variant allele.
Comment: SLC12A5: PM2, BP4

Labcorp Genetics (formerly Invitae), Labcorp
Classification: Uncertain significance for Developmental and epileptic encephalopathy, 34. Last evaluated: 2022-05-28. Review status: criteria provided, single submitter. Criteria: Invitae Variant Classification Sherloc (09022015). Collection method: clinical testing. Allele origin: germline.
Comment: This sequence change falls in intron 23 of the SLC12A5 gene. It does not directly change the encoded amino acid sequence of the SLC12A5 protein. It affects a nucleotide within the consensus splice site. This variant is present in population databases (rs781152138, gnomAD 0.004%). This variant has not been reported in the literature in individuals affected with SLC12A5-related conditions. ClinVar contains an entry for this variant (Variation ID: 475654). Variants that disrupt the consensus splice site are a relatively common cause of aberrant splicing (PMID: 17576681, 9536098). Algorithms developed to predict the effect of sequence changes on RNA splicing suggest that this variant is not likely to affect RNA splicing. In summary, the available evidence is currently insufficient to determine the role of this variant in disease. Therefore, it has been classified as a Variant of Uncertain Significance.

Literature cited by the submitters: PubMed 17576681 (cited by Labcorp Genetics (formerly Invitae), Labcorp); PubMed 9536098 (cited by Labcorp Genetics (formerly Invitae), Labcorp).